The following is an entry in ClinVar:

ClinVar aggregate classification (germline): Uncertain significance (1 of 4 stars; one submission).

Conditions:
Dilated cardiomyopathy 1G (CMD1G). Identifiers: Orphanet 154, MedGen C1858763, MONDO:0011400, OMIM 604145.
Autosomal recessive limb-girdle muscular dystrophy type 2J (LGMDR10). Also called: Limb-girdle muscular dystrophy, type 2J; MUSCULAR DYSTROPHY, LIMB-GIRDLE, AUTOSOMAL RECESSIVE 10. Identifiers: Orphanet 140922, MedGen C1837342, MONDO:0012127, OMIM 608807.

Allele frequency attached by ClinVar (database versions not stated): gnomAD exomes below 0.00001.
gnomAD v4.1: 6 of 1,613,854 alleles (0.00037%); highest among the groups gnomAD compares: Admixed American, 0.0033%; no homozygotes.

Submission:

Labcorp Genetics (formerly Invitae), Labcorp
Classification: Uncertain significance for Dilated cardiomyopathy 1G; Autosomal recessive limb-girdle muscular dystrophy type 2J. Last evaluated: 2025-01-22. Review status: criteria provided, single submitter. Criteria: Invitae Variant Classification Sherloc (09022015). Collection method: clinical testing. Allele origin: germline.
Comment: This sequence change replaces isoleucine, which is neutral and non-polar, with threonine, which is neutral and polar, at codon 34024 of the TTN protein (p.Ile34024Thr). This variant is present in population databases (rs779963495, gnomAD 0.003%). This variant has not been reported in the literature in individuals affected with TTN-related conditions. ClinVar contains an entry for this variant (Variation ID: 2927282). Experimental studies and prediction algorithms are not available or were not evaluated, and the functional significance of this variant is currently unknown. This variant is located in the M band of TTN (PMID: 25589632). Non-truncating variants in this region may be relevant for neuromuscular disorders, but have not been definitively shown to cause cardiomyopathy (PMID: 23975875). In summary, the available evidence is currently insufficient to determine the role of this variant in disease. Therefore, it has been classified as a Variant of Uncertain Significance.

Literature cited by the submitters: PubMed 25589632; PubMed 23975875.

NM_001267550.2(TTN):c.102071T>C (p.Ile34024Thr)

Genes: TTN (titin; minus strand), TTN-AS1 (TTN antisense RNA 1; plus strand). Cytogenetic location: 2q31.2.
Variant type: single nucleotide variant.
Coding change: c.102071T>C on transcript NM_001267550.2 (MANE Select); coding-DNA position 102071, T replaced by C.
Protein change: p.Ile34024Thr; replaces isoleucine 34024 with threonine.
Molecular consequence: missense variant.
Genome position (GRCh38, 1-based): chr2:178,534,544, A>G on the plus strand (T>C on the coding strand, the complement: TTN is on the minus strand). VCF-style: chr2-178534544-A-G. GRCh37 (hg19) VCF-style: chr2-179399271-A-G.
Other names: c.97148T>C, p.Ile32383Thr (NM_001256850.1); c.74876T>C, p.Ile24959Thr (NM_003319.4); c.94367T>C, p.Ile31456Thr (NM_133378.4); c.75251T>C, p.Ile25084Thr (NM_133432.3); c.75452T>C, p.Ile25151Thr (NM_133437.4); short protein forms I24959T, I25084T, I32383T, I34024T, I31456T, I25151T.
Identifiers: ClinVar variation 2927282 (VCV002927282.3), dbSNP rs779963495, ClinGen allele CA60959537.